The following is an entry in ClinVar:

NM_001303052.2(MYT1L):c.1490C>G (p.Ser497Ter)

Gene: MYT1L (myelin transcription factor 1 like; minus strand). Cytogenetic location: 2p25.3.
Variant type: single nucleotide variant.
Coding change: c.1490C>G on transcript NM_001303052.2 (MANE Select); coding-DNA position 1490, C replaced by G.
Protein change: p.Ser497Ter; replaces serine 497 with a stop codon.
Molecular consequence: nonsense.
Genome position (GRCh38, 1-based): chr2:1,917,333, G>C on the plus strand (C>G on the coding strand, the complement: MYT1L is on the minus strand). VCF-style: chr2-1917333-G-C. GRCh37 (hg19) VCF-style: chr2-1921105-G-C.
Other names: c.1490C>G, p.Ser497Ter (NM_001329851.3, NM_001329844.2, NM_001329845.1); c.1484C>G, p.Ser495Ter (NM_001329852.3, NM_015025.4, NM_001329846.3 and 3 more transcripts); short protein forms S495*, S497*.
Identifiers: ClinVar variation 4846860 (VCV004846860.1).

ClinVar aggregate classification (germline): Likely pathogenic (1 of 4 stars; one submission).

Conditions:
Intellectual developmental disorder, autosomal dominant 39. Also called: Mental retardation, autosomal dominant 39; Intellectual disability, autosomal dominant 39. Identifiers: MedGen C4225296, MONDO:0014678, OMIM 616521.

Submission:

Laboratorio de Genetica e Diagnostico Molecular, Hospital Israelita Albert Einstein
Classification: Likely pathogenic for Intellectual developmental disorder, autosomal dominant 39. Last evaluated: 2025-07-18. Review status: criteria provided, single submitter. Criteria: ACMG Guidelines, 2015. Collection method: clinical testing. Allele origin: germline. Affected: yes.
Comment: ACMG classification criteria: PVS1 very strong, PM2 supporting